The following is an entry in ClinVar:

ClinVar aggregate classification (germline): Uncertain significance (1 of 4 stars; one submission).

Conditions:
Hereditary spastic paraplegia. Also called: Familial spastic paraparesis. Identifiers: Orphanet 685, MedGen C0037773, MONDO:0019064. Disease mechanism: loss of function.

Allele frequency attached by ClinVar (database versions not stated): gnomAD 0.00001; ExAC 0.00002; TOPMed 0.00002; gnomAD exomes 0.00004.
gnomAD v4.1: 52 of 1,586,726 alleles (0.0033%); highest among the groups gnomAD compares: Non-Finnish European, 0.0044%; no homozygotes.

Submission:

Labcorp Genetics (formerly Invitae), Labcorp
Classification: Uncertain significance for Hereditary spastic paraplegia. Last evaluated: 2022-07-05. Review status: criteria provided, single submitter. Criteria: Invitae Variant Classification Sherloc (09022015). Collection method: clinical testing. Allele origin: germline.
Comment: This sequence change replaces leucine, which is neutral and non-polar, with phenylalanine, which is neutral and non-polar, at codon 90 of the USP8 protein (p.Leu90Phe). This variant is present in population databases (rs779520263, gnomAD 0.006%). In summary, the available evidence is currently insufficient to determine the role of this variant in disease. Therefore, it has been classified as a Variant of Uncertain Significance. Algorithms developed to predict the effect of missense changes on protein structure and function are either unavailable or do not agree on the potential impact of this missense change (SIFT: "Deleterious"; PolyPhen-2: "Probably Damaging"; Align-GVGD: "Class C0"). This variant has not been reported in the literature in individuals affected with USP8-related conditions.

NM_005154.5(USP8):c.268C>T (p.Leu90Phe)

Gene: USP8 (ubiquitin specific peptidase 8; plus strand). Cytogenetic location: 15q21.2.
Variant type: single nucleotide variant.
Coding change: c.268C>T on transcript NM_005154.5 (MANE Select); coding-DNA position 268, C replaced by T.
Protein change: p.Leu90Phe; replaces leucine 90 with phenylalanine.
Molecular consequence: missense variant. On other transcripts: intron variant (1).
Genome position (GRCh38, 1-based): chr15:50,449,418, C>T. VCF-style: chr15-50449418-C-T. GRCh37 (hg19) VCF-style: chr15-50741615-C-T.
Other names: c.268C>T, p.Leu90Phe (NM_001128610.3); c.105-9582C>T (NM_001283049.2); short protein forms L90F.
Identifiers: ClinVar variation 1944960 (VCV001944960.5), dbSNP rs779520263, ClinGen allele CA7555420.